The following is an entry in ClinVar:

ClinVar aggregate classification (germline): Uncertain significance. Review status: criteria provided, multiple submitters, no conflicts (2 of 4 stars). 3 submissions from 3 submitters: Uncertain significance (3). Last evaluated 2025-10-29.

Allele frequency attached by ClinVar (database versions not stated): gnomAD exomes 0.00003 and 0.00007; 1000 Genomes Project 30x 0.00016.
gnomAD v4.1: 44 of 1,613,956 alleles (0.0027%); highest among the groups gnomAD compares: South Asian, 0.046%; no homozygotes.

Submissions (3):

Ambry Genetics
Classification: Uncertain significance. Last evaluated: 2025-10-29. Review status: criteria provided, single submitter. Criteria: Ambry Variant Classification Scheme 2023. Collection method: clinical testing. Allele origin: germline.

Labcorp Genetics (formerly Invitae), Labcorp
Classification: Uncertain significance. Last evaluated: 2025-05-26. Review status: criteria provided, single submitter. Criteria: Invitae Variant Classification Sherloc (09022015). Collection method: clinical testing. Allele origin: germline.
Comment: This sequence change replaces isoleucine, which is neutral and non-polar, with valine, which is neutral and non-polar, at codon 263 of the FAM65B protein (p.Ile263Val). This variant is present in population databases (rs772453057, gnomAD 0.06%), and has an allele count higher than expected for a pathogenic variant. This variant has not been reported in the literature in individuals affected with FAM65B-related conditions. ClinVar contains an entry for this variant (Variation ID: 1680516). An algorithm developed to predict the effect of missense changes on protein structure and function (PolyPhen-2) suggests that this variant is likely to be disruptive. In summary, the available evidence is currently insufficient to determine the role of this variant in disease. Therefore, it has been classified as a Variant of Uncertain Significance.

GeneDx
Classification: Uncertain significance. Last evaluated: 2022-12-07. Review status: criteria provided, single submitter. Criteria: GeneDx Variant Classification Process June 2021. Collection method: clinical testing. Allele origin: germline. Affected: yes.
Comment: In silico analysis supports that this missense variant does not alter protein structure/function; Has not been previously published as pathogenic or benign to our knowledge; Variants in candidate genes are classified as variants of uncertain significance in accordance with ACMG guidelines (Richards et al., 2015)

NM_001286445.3(RIPOR2):c.874A>G (p.Ile292Val)

Gene: RIPOR2 (RHO family interacting cell polarization regulator 2; minus strand). Cytogenetic location: 6p22.3.
Variant type: single nucleotide variant.
Coding change: c.874A>G on transcript NM_001286445.3 (MANE Select); coding-DNA position 874, A replaced by G.
Protein change: p.Ile292Val; replaces isoleucine 292 with valine.
Molecular consequence: missense variant.
Genome position (GRCh38, 1-based): chr6:24,850,608, T>C on the plus strand (A>G on the coding strand, the complement: RIPOR2 is on the minus strand). VCF-style: chr6-24850608-T-C. GRCh37 (hg19) VCF-style: chr6-24850836-T-C.
Other names: c.787A>G (NM_014722.3, NM_014722.2); c.889A>G, p.Ile297Val (NM_001286446.3); c.787A>G, p.Ile263Val (NM_001286447.2, NM_001346031.2, NM_001346032.2 and 2 more transcripts); short protein forms I263V, I292V, I297V.
Identifiers: ClinVar variation 1680516 (VCV001680516.8), dbSNP rs772453057, ClinGen allele CA3659416.